The following is an entry in ClinVar:

NM_004385.5(VCAN):c.1283G>A (p.Gly428Asp)

Gene: VCAN (versican; plus strand). Cytogenetic location: 5q14.3.
Variant type: single nucleotide variant.
Coding change: c.1283G>A on transcript NM_004385.5 (MANE Select); coding-DNA position 1283, G replaced by A.
Protein change: p.Gly428Asp; replaces glycine 428 with aspartic acid.
Molecular consequence: missense variant. On other transcripts: intron variant (2).
Genome position (GRCh38, 1-based): chr5:83,519,589, G>A. VCF-style: chr5-83519589-G-A. GRCh37 (hg19) VCF-style: chr5-82815408-G-A.
Other names: c.1283G>A, p.Gly428Asp (NM_001164098.2); c.1042+7193G>A (NM_001164097.2, NM_001126336.3); short protein forms G428D.
Identifiers: ClinVar variation 259361 (VCV000259361.19), dbSNP rs2287926, ClinGen allele CA3332642.

ClinVar aggregate classification (germline): Benign. Review status: criteria provided, multiple submitters, no conflicts (2 of 4 stars). 8 submissions from 8 submitters: Benign (6). 2 of the submissions do not count toward it. Last evaluated 2026-02-03.

Conditions:
Vitreoretinopathy. Also called: Vitreoretinal degeneration. Identifiers: MedGen C0344290, MONDO:0020248, HP:0007773.
Wagner disease. Also called: WAGNER SYNDROME 1; Wagner syndrome; HYALOIDEORETINAL DEGENERATION OF WAGNER; WAGNER VITREORETINOPATHY; Wagner Vitreoretinal Degeneration (Wagner Synrdome); WAGNER VITREORETINAL DEGENERATION. Identifiers: Orphanet 898, MedGen C1840452, MONDO:0007740, OMIM 143200.

Allele frequency attached by ClinVar (database versions not stated): gnomAD exomes 0.12959 and 0.14869; ExAC 0.15265; gnomAD 0.16841 and 0.16967; ESP Exome Variant Server 0.17015; TOPMed 0.17732; 1000 Genomes Project 0.21286; 1000 Genomes Project 30x 0.21783.
gnomAD v4.1: 215,934 of 1,613,872 alleles (13%); highest among the groups gnomAD compares: African/African-American, 28%; 16,434 homozygotes.

Submissions (8):

Labcorp Genetics (formerly Invitae), Labcorp
Classification: Benign. Last evaluated: 2026-02-03. Review status: criteria provided, single submitter. Criteria: Invitae Variant Classification Sherloc (09022015). Collection method: clinical testing. Allele origin: germline.

Blueprint Genetics
Classification: Benign. Last evaluated: 2024-11-26. Review status: criteria provided, single submitter. Criteria: ACMG Guidelines, 2015. Collection method: clinical testing. Allele origin: germline.

Genome-Nilou Lab
Classification: Benign for Wagner disease. Last evaluated: 2021-12-05. Review status: criteria provided, single submitter. Criteria: ACMG Guidelines, 2015. Collection method: clinical testing. Allele origin: germline. Affected: no.

GeneDx
Classification: Benign. Last evaluated: 2020-11-02. Review status: criteria provided, single submitter. Criteria: GeneDx Variant Classification Process June 2021. Collection method: clinical testing. Allele origin: germline. Affected: yes.
Comment: This variant is associated with the following publications: (PMID: 25606449)

Illumina Laboratory Services, Illumina
Classification: Benign for Vitreoretinopathy. Last evaluated: 2018-01-13. Review status: criteria provided, single submitter. Criteria: ICSL Variant Classification Criteria 13 December 2019. Collection method: clinical testing. Allele origin: germline.
Comment: This variant was observed in the ICSL laboratory as part of a predisposition screen in an ostensibly healthy population. It had not been previously curated by ICSL or reported in the Human Gene Mutation Database (HGMD: prior to June 1st, 2018), and was therefore a candidate for classification through an automated scoring system. Utilizing variant allele frequency, disease prevalence and penetrance estimates, and inheritance mode, an automated score was calculated to assess if this variant is too frequent to cause the disease. Based on the score and internal cut-off values, a variant classified as benign is not then subjected to further curation. The score for this variant resulted in a classification of benign for this disease.

PreventionGenetics, part of Exact Sciences
Classification: Benign. Review status: criteria provided, single submitter. Criteria: ACMG Guidelines, 2015. Collection method: clinical testing. Allele origin: germline.

Genome Diagnostics Laboratory, Amsterdam University Medical Center
Classification: Benign for Wagner disease. Last evaluated: 2014-02-04. Review status: no assertion criteria provided. Criteria: ACGS Guidelines, 2013. Collection method: clinical testing. Allele origin: germline. Affected: yes. Study: VKGL Data-share Consensus. Not counted in ClinVar's aggregate classification.

Diagnostic Laboratory, Department of Genetics, University Medical Center Groningen
Classification: Benign for Wagner disease. Review status: no assertion criteria provided. Collection method: clinical testing. Allele origin: germline. Affected: yes. Study: VKGL Data-share Consensus. Not counted in ClinVar's aggregate classification.